The following is an entry in ClinVar:

ClinVar aggregate classification (germline): Uncertain significance. Review status: criteria provided, multiple submitters, no conflicts (2 of 4 stars). 2 submissions from 2 submitters: Uncertain significance (2). Last evaluated 2022-05-13.

Conditions:
Kufor-Rakeb syndrome (KRS). Also called: PARKINSON DISEASE 9, AUTOSOMAL RECESSIVE, JUVENILE-ONSET. Identifiers: Orphanet 306674, Orphanet 314632, MedGen C1847640, MONDO:0011706, OMIM 606693.
Autosomal recessive spastic paraplegia type 78. Identifiers: Orphanet 513436, MedGen C5567893, MONDO:0014975, OMIM 617225.
Inborn genetic diseases. Identifiers: MedGen C0950123, MeSH D030342.

Allele frequency attached by ClinVar (database versions not stated): TOPMed 0.00002; gnomAD exomes 0.00003; ExAC 0.00006.
gnomAD v4.1: 44 of 1,588,824 alleles (0.0028%); highest among the groups gnomAD compares: Middle Eastern, 0.034%; no homozygotes.

Submissions (2):

Labcorp Genetics (formerly Invitae), Labcorp
Classification: Uncertain significance for Kufor-Rakeb syndrome; Autosomal recessive spastic paraplegia type 78. Last evaluated: 2022-05-13. Review status: criteria provided, single submitter. Criteria: Invitae Variant Classification Sherloc (09022015). Collection method: clinical testing. Allele origin: germline.
Comment: This sequence change replaces arginine, which is basic and polar, with glutamine, which is neutral and polar, at codon 1150 of the ATP13A2 protein (p.Arg1150Gln). This variant is present in population databases (rs780245221, gnomAD 0.007%). This variant has not been reported in the literature in individuals affected with ATP13A2-related conditions. Advanced modeling of protein sequence and biophysical properties (such as structural, functional, and spatial information, amino acid conservation, physicochemical variation, residue mobility, and thermodynamic stability) performed at Invitae indicates that this missense variant is not expected to disrupt ATP13A2 protein function. In summary, the available evidence is currently insufficient to determine the role of this variant in disease. Therefore, it has been classified as a Variant of Uncertain Significance.

Ambry Genetics
Classification: Uncertain significance for Inborn genetic diseases. Last evaluated: 2021-01-06. Review status: criteria provided, single submitter. Criteria: Ambry Variant Classification Scheme 2023. Collection method: clinical testing. Allele origin: germline.

NM_022089.4(ATP13A2):c.3449G>A (p.Arg1150Gln)

Gene: ATP13A2 (ATPase cation transporting 13A2; minus strand). Cytogenetic location: 1p36.13.
Variant type: single nucleotide variant.
Coding change: c.3449G>A on transcript NM_022089.4 (MANE Select); coding-DNA position 3449, G replaced by A.
Protein change: p.Arg1150Gln; replaces arginine 1150 with glutamine.
Molecular consequence: missense variant. On other transcripts: synonymous variant (1).
Genome position (GRCh38, 1-based): chr1:16,986,315, C>T on the plus strand (G>A on the coding strand, the complement: ATP13A2 is on the minus strand). VCF-style: chr1-16986315-C-T. GRCh37 (hg19) VCF-style: chr1-17312810-C-T.
Other names: c.3434G>A, p.Arg1145Gln (NM_001141973.3); c.3147G>A, p.Pro1049= (NM_001141974.3); short protein forms R1150Q, R1145Q.
Identifiers: ClinVar variation 1731528 (VCV001731528.4), dbSNP rs780245221, ClinGen allele CA636479.